The following is an entry in ClinVar:

ClinVar aggregate classification (germline): Uncertain significance. Review status: criteria provided, multiple submitters, no conflicts (2 of 4 stars). 3 submissions from 3 submitters: Uncertain significance (3). Last evaluated 2025-02-27.

Conditions:
Hereditary cancer-predisposing syndrome. Also called: Tumor predisposition; Neoplastic Syndromes, Hereditary; Hereditary neoplastic syndrome; Hereditary Cancer Syndrome. Identifiers: Orphanet 140162, MedGen C0027672, MeSH D009386, MONDO:0015356.

gnomAD v4.1: 2 of 1,612,994 alleles (0.00012%); highest among the groups gnomAD compares: Non-Finnish European, 0.00017%; no homozygotes.

Submissions (3):

Ambry Genetics
Classification: Uncertain significance. Last evaluated: 2025-02-27. Review status: criteria provided, single submitter. Criteria: Ambry Variant Classification Scheme 2023. Collection method: clinical testing. Allele origin: germline.
Comment: The p.Y418S variant (also known as c.1253A>C), located in coding exon 10 of the RECQL gene, results from an A to C substitution at nucleotide position 1253. The tyrosine at codon 418 is replaced by serine, an amino acid with dissimilar properties. This amino acid position is well conserved in available vertebrate species. In addition, the in silico prediction for this alteration is inconclusive. Since supporting evidence is limited at this time, the clinical significance of this alteration remains unclear.

Labcorp Genetics (formerly Invitae), Labcorp
Classification: Uncertain significance. Last evaluated: 2024-04-25. Review status: criteria provided, single submitter. Criteria: Invitae Variant Classification Sherloc (09022015). Collection method: clinical testing. Allele origin: germline.
Comment: This sequence change replaces tyrosine, which is neutral and polar, with serine, which is neutral and polar, at codon 418 of the RECQL protein (p.Tyr418Ser). This variant is present in population databases (no rsID available, gnomAD 0.0009%). This variant has not been reported in the literature in individuals affected with RECQL-related conditions. ClinVar contains an entry for this variant (Variation ID: 584809). Advanced modeling of protein sequence and biophysical properties (such as structural, functional, and spatial information, amino acid conservation, physicochemical variation, residue mobility, and thermodynamic stability) performed at Invitae indicates that this missense variant is not expected to disrupt RECQL protein function with a negative predictive value of 80%. In summary, the available evidence is currently insufficient to determine the role of this variant in disease. Therefore, it has been classified as a Variant of Uncertain Significance.

Mendelics
Classification: Uncertain significance for Hereditary cancer-predisposing syndrome. Last evaluated: 2018-07-02. Review status: criteria provided, single submitter. Criteria: Mendelics Assertion Criteria 2017. Collection method: clinical testing. Allele origin: unknown.

NM_002907.4(RECQL):c.1253A>C (p.Tyr418Ser)

Gene: RECQL (RecQ like helicase; minus strand). Cytogenetic location: 12p12.1.
Variant type: single nucleotide variant.
Coding change: c.1253A>C on transcript NM_002907.4 (MANE Select); coding-DNA position 1253, A replaced by C.
Protein change: p.Tyr418Ser; replaces tyrosine 418 with serine.
Molecular consequence: missense variant.
Genome position (GRCh38, 1-based): chr12:21,474,943, T>G on the plus strand (A>C on the coding strand, the complement: RECQL is on the minus strand). VCF-style: chr12-21474943-T-G. GRCh37 (hg19) VCF-style: chr12-21627877-T-G.
Other names: c.1253A>C, p.Tyr418Ser (NM_032941.3); short protein forms Y418S.
Identifiers: ClinVar variation 584809 (VCV000584809.8), dbSNP rs1295951241, ClinGen allele CA384118797.